The following is an entry in ClinVar:

NM_001042492.3(NF1):c.1339del (p.Leu447fs)

Gene: NF1 (neurofibromin 1; plus strand). Cytogenetic location: 17q11.2.
Variant type: Deletion.
Coding change: c.1339del on transcript NM_001042492.3 (MANE Select); coding-DNA position 1339, one base deleted (C; older notation c.1339delC).
Protein change: p.Leu447fs; shifts the reading frame from leucine 447.
Molecular consequence: frameshift variant.
Genome position (GRCh38, 1-based): chr17:31,206,318, C deleted. VCF-style (leftmost placement, unchanged base first): chr17-31206317-AC-A. GRCh37 (hg19) VCF-style: chr17-29533335-AC-A.
Other names: c.1339delC, p.Leu447Phefs (NM_000267.4); c.1339del, p.Leu447fs (NM_001128147.3); short protein forms L447fs.
Identifiers: ClinVar variation 1076194 (VCV001076194.5), dbSNP rs2143914685, ClinGen allele CA2499224028.
Genomic context (GRCh38, chr17:31,206,317, plus strand): 5'-GCCTAAGATTGATGCTGTGTATTGTCACTCGGTTGAACTTCGAAATATGTTTGGTGAAAC[AC>A]TTCATAAAGCAGTGCAAGGTTGTGGAGCACACCCAGCAATACGAATGGCACCGGTAAGAT-3'

ClinVar aggregate classification (germline): Pathogenic (1 of 4 stars; one submission).

Conditions:
Neurofibromatosis, type 1 (NF1). Also called: VON RECKLINGHAUSEN DISEASE; Peripheral type neurofibromatosis; NEUROFIBROMATOSIS, TYPE I, SOMATIC; Neurofibromatosis, type I. Identifiers: Orphanet 636, MedGen C0027831, MONDO:0018975, OMIM 162200. Disease mechanism: loss of function.

Submission:

Labcorp Genetics (formerly Invitae), Labcorp
Classification: Pathogenic for Neurofibromatosis, type 1. Last evaluated: 2020-04-15. Review status: criteria provided, single submitter. Criteria: Invitae Variant Classification Sherloc (09022015). Collection method: clinical testing. Allele origin: germline.
Comment: This sequence change creates a premature translational stop signal (p.Leu447Phefs*26) in the NF1 gene. It is expected to result in an absent or disrupted protein product. This variant is not present in population databases (ExAC no frequency). This frameshift change has been observed in individual(s) with neurofibromatosis type 1 (PMID: 10712197). Loss-of-function variants in NF1 are known to be pathogenic (PMID: 10712197, 23913538). For these reasons, this variant has been classified as Pathogenic.

Literature cited by the submitters: PubMed 10712197; PubMed 23913538.